The following is an entry in ClinVar:

ClinVar aggregate classification (germline): Uncertain significance. Review status: criteria provided, multiple submitters, no conflicts (2 of 4 stars). 4 submissions from 4 submitters: Uncertain significance (4). Last evaluated 2026-01-24.

Conditions:
Hereditary cancer-predisposing syndrome. Also called: Hereditary neoplastic syndrome; Neoplastic Syndromes, Hereditary; Tumor predisposition; Hereditary Cancer Syndrome. Identifiers: Orphanet 140162, MedGen C0027672, MeSH D009386, MONDO:0015356.
Multiple endocrine neoplasia, type 2 (MEN2). Identifiers: Orphanet 653, MedGen C4048306, MONDO:0019003. Disease mechanism: gain of function.
Hirschsprung disease, susceptibility to, 1 (HSCR1). Also called: RET-Related Hirschsprung Disease. Identifiers: Orphanet 388, MedGen C3888239, MONDO:0007723, OMIM 142623.

Allele frequency attached by ClinVar (database versions not stated): ExAC 0.00001; gnomAD exomes 0.00001.
gnomAD v4.1: 8 of 1,614,064 alleles (0.0005%); highest among the groups gnomAD compares: Middle Eastern, 0.017%; no homozygotes.

Submissions (4):

Labcorp Genetics (formerly Invitae), Labcorp
Classification: Uncertain significance for Multiple endocrine neoplasia, type 2. Last evaluated: 2026-01-24. Review status: criteria provided, single submitter. Criteria: Invitae Variant Classification Sherloc (09022015). Collection method: clinical testing. Allele origin: germline.
Comment: This sequence change replaces alanine, which is neutral and non-polar, with glycine, which is neutral and non-polar, at codon 750 of the RET protein (p.Ala750Gly). This variant is present in population databases (rs752830000, gnomAD 0.004%). This missense change has been observed in individual(s) with breast cancer (PMID: 28202063). ClinVar contains an entry for this variant (Variation ID: 560866). An algorithm developed to predict the effect of missense changes on protein structure and function (PolyPhen-2) suggests that this variant is likely to be tolerated. In summary, the available evidence is currently insufficient to determine the role of this variant in disease. Therefore, it has been classified as a Variant of Uncertain Significance.

Ambry Genetics
Classification: Uncertain significance for Hereditary cancer-predisposing syndrome. Last evaluated: 2025-10-09. Review status: criteria provided, single submitter. Criteria: Ambry Variant Classification Scheme 2023. Collection method: clinical testing. Allele origin: germline.
Comment: The p.A750G variant (also known as c.2249C>G), located in coding exon 12 of the RET gene, results from a C to G substitution at nucleotide position 2249. The alanine at codon 750 is replaced by glycine, an amino acid with similar properties. This amino acid position is well conserved in available vertebrate species. In addition, the in silico prediction for this alteration is inconclusive. Since supporting evidence is limited at this time, the clinical significance of this alteration remains unclear.

Baylor Genetics
Classification: Uncertain significance for Hirschsprung disease, susceptibility to, 1. Last evaluated: 2023-07-11. Review status: criteria provided, single submitter. Criteria: ACMG Guidelines, 2015. Collection method: clinical testing. Allele origin: unknown.

PreventionGenetics, part of Exact Sciences
Classification: Uncertain significance. Last evaluated: 2017-03-31. Review status: criteria provided, single submitter. Criteria: ACMG Guidelines, 2015. Collection method: clinical testing. Allele origin: germline.

Literature cited by the submitters: PubMed 28202063 (cited by Labcorp Genetics (formerly Invitae), Labcorp).

NM_020975.6(RET):c.2249C>G (p.Ala750Gly)

Gene: RET (ret proto-oncogene; plus strand). Cytogenetic location: 10q11.21.
Variant type: single nucleotide variant.
Coding change: c.2249C>G on transcript NM_020975.6 (MANE Select); coding-DNA position 2249, C replaced by G.
Protein change: p.Ala750Gly; replaces alanine 750 with glycine.
Molecular consequence: missense variant.
Genome position (GRCh38, 1-based): chr10:43,116,696, C>G. VCF-style: chr10-43116696-C-G. GRCh37 (hg19) VCF-style: chr10-43612144-C-G.
Other names: c.2249C>G, p.Ala750Gly (NM_000323.2, NM_001406743.1, NM_001406744.1 and 4 more transcripts); c.1487C>G, p.Ala496Gly (NM_001355216.2); c.2120C>G, p.Ala707Gly (NM_001406761.1, NM_001406762.1, NM_001406764.1); c.2114C>G, p.Ala705Gly (NM_001406763.1, NM_001406765.1); c.1961C>G, p.Ala654Gly (NM_001406766.1, NM_001406767.1, NM_001406770.1); c.1985C>G, p.Ala662Gly (NM_001406768.1); c.1853C>G, p.Ala618Gly (NM_001406769.1, NM_001406772.1); c.1811C>G, p.Ala604Gly (NM_001406771.1, NM_001406773.1); and 10 more; short protein forms A750G, A496G, A408G, A618G, A654G, A662G, A705G, A406G.
Identifiers: ClinVar variation 560866 (VCV000560866.14), dbSNP rs752830000, ClinGen allele CA037982.